The following is an entry in ClinVar:

NM_007255.3(B4GALT7):c.598G>T (p.Val200Phe)

Gene: B4GALT7 (beta-1,4-galactosyltransferase 7; plus strand). Cytogenetic location: 5q35.3.
Variant type: single nucleotide variant.
Coding change: c.598G>T on transcript NM_007255.3 (MANE Select); coding-DNA position 598, G replaced by T.
Protein change: p.Val200Phe; replaces valine 200 with phenylalanine.
Molecular consequence: missense variant.
Genome position (GRCh38, 1-based): chr5:177,607,486, G>T. VCF-style: chr5-177607486-G-T. GRCh37 (hg19) VCF-style: chr5-177034487-G-T.
Other names: short protein forms V200F.
Identifiers: ClinVar variation 1307498 (VCV001307498.2), dbSNP rs2127513318, ClinGen allele CA362375889.
Genomic context (GRCh38, chr5:177,607,486, plus strand): 5'-GCTGGGCCCTTCCACGTGGCCTCCCCGGAGCTCCACCCTCTCTACCACTACAAGACCTAT[G>T]TCGGCGGCATCCTGCTGCTCTCCAAGCAGCACTACCGGCTGGTGAGGCCCGGACAGCCTG-3'
Protein context (NP_009186.1, residues 190-210): LHPLYHYKTY[Val200Phe]GGILLLSKQH

ClinVar aggregate classification (germline): Uncertain significance (1 of 4 stars; one submission).

Submission:

GeneDx
Classification: Uncertain significance. Last evaluated: 2019-08-13. Review status: criteria provided, single submitter. Criteria: GeneDx Variant Classification Process June 2021. Collection method: clinical testing. Allele origin: germline. Affected: yes.
Comment: Has not been previously published as pathogenic or benign to our knowledge; Not observed in large population cohorts (Lek et al., 2016); In silico analysis, which includes protein predictors and evolutionary conservation, supports a deleterious effect